The following is an entry in ClinVar:

ClinVar aggregate classification (germline): Benign/Likely benign. Review status: criteria provided, multiple submitters, no conflicts (2 of 4 stars). 5 submissions from 5 submitters: Benign (3); Likely benign (2). Last evaluated 2026-01-26.

Conditions:
Fibrous dysplasia of jaw (CRBM). Also called: Cherubism. Identifiers: Orphanet 184, MedGen C0008029, MONDO:0007315, OMIM 118400.

Allele frequency attached by ClinVar (database versions not stated): ExAC 0.00117; 1000 Genomes Project 0.00260; 1000 Genomes Project 30x 0.00265; gnomAD 0.00304 and 0.00326; ESP Exome Variant Server 0.00339; TOPMed 0.00351.
gnomAD v4.1: 916 of 1,589,610 alleles (0.058%); highest among the groups gnomAD compares: African/African-American, 1.1%; 4 homozygotes.

Submissions (5):

Labcorp Genetics (formerly Invitae), Labcorp
Classification: Benign for Fibrous dysplasia of jaw. Last evaluated: 2026-01-26. Review status: criteria provided, single submitter. Criteria: Invitae Variant Classification Sherloc (09022015). Collection method: clinical testing. Allele origin: germline.

Women's Health and Genetics/Laboratory Corporation of America, LabCorp
Classification: Benign. Last evaluated: 2026-01-23. Review status: criteria provided, single submitter. Criteria: LabCorp Variant Classification Summary - May 2015. Collection method: clinical testing. Allele origin: germline.

Blueprint Genetics
Classification: Likely benign. Last evaluated: 2024-11-21. Review status: criteria provided, single submitter. Criteria: ACMG Guidelines, 2015. Collection method: clinical testing. Allele origin: germline.

GeneDx
Classification: Likely benign. Last evaluated: 2018-12-11. Review status: criteria provided, single submitter. Criteria: GeneDx Variant Classification Process June 2021. Collection method: clinical testing. Allele origin: germline. Affected: yes.

Illumina Laboratory Services, Illumina
Classification: Benign for Fibrous dysplasia of jaw. Last evaluated: 2018-01-13. Review status: criteria provided, single submitter. Criteria: ICSL Variant Classification Criteria 13 December 2019. Collection method: clinical testing. Allele origin: germline.
Comment: This variant was observed in the ICSL laboratory as part of a predisposition screen in an ostensibly healthy population. It had not been previously curated by ICSL or reported in the Human Gene Mutation Database (HGMD: prior to June 1st, 2018), and was therefore a candidate for classification through an automated scoring system. Utilizing variant allele frequency, disease prevalence and penetrance estimates, and inheritance mode, an automated score was calculated to assess if this variant is too frequent to cause the disease. Based on the score and internal cut-off values, a variant classified as benign is not then subjected to further curation. The score for this variant resulted in a classification of benign for this disease.

NM_001122681.2(SH3BP2):c.1332G>A (p.Ser444=)

Gene: SH3BP2 (SH3 domain binding protein 2; plus strand). Cytogenetic location: 4p16.3.
Variant type: single nucleotide variant.
Coding change: c.1332G>A on transcript NM_001122681.2 (MANE Select); coding-DNA position 1332, G replaced by A.
Protein change: p.Ser444=; no amino-acid change (serine 444 retained).
Molecular consequence: synonymous variant.
Genome position (GRCh38, 1-based): chr4:2,831,661, G>A. VCF-style: chr4-2831661-G-A. GRCh37 (hg19) VCF-style: chr4-2833388-G-A.
Other names: c.1416G>A, p.Ser472= (NM_001145855.2, LRG_1334t2); c.1503G>A, p.Ser501= (NM_001145856.2); c.1332G>A, p.Ser444= (NM_003023.4, LRG_1334t1).
Identifiers: ClinVar variation 454492 (VCV000454492.20), dbSNP rs34668322, ClinGen allele CA2819466.
Genomic context (GRCh38, chr4:2,831,661, plus strand): 5'-GAGCTTCTCCTTTGAAAAGCCCCGGCAACCCTCACAGGCTGACACTGGCGGGGACGACTC[G>A]GACGAGGACTATGAGAAGGCAAGGCTGAGCGGCAAGCCTGGGTCCCAGTGGCCAGTAGGT-3'
Protein context (NP_001116153.1, residues 434-454): PSQADTGGDD[Ser444=]DEDYEKVPLP